The following is an entry in ClinVar:

ClinVar aggregate classification (germline): Uncertain significance (1 of 4 stars; one submission).

Conditions:
Hyperinsulinemic hypoglycemia, familial, 1 (HHF1). Also called: Persistent hyperinsulinemic hypoglycemia of infancy; HYPERINSULINISM, FAMILIAL, WITH PANCREATIC NESIDIOBLASTOSIS; HYPOGLYCEMIA, HYPERINSULINEMIC, OF INFANCY; NESIDIOBLASTOSIS OF PANCREAS; Persistent Hyperinsulinemia Hypoglycemia of Infancy. Identifiers: Orphanet 276575, Orphanet 276598, MedGen C2931832, MONDO:0009734, OMIM 256450.

gnomAD v4.1: 1 of 1,614,196 alleles (0.000062%); highest among the groups gnomAD compares: South Asian, 0.0011%; no homozygotes.

Submission:

Myriad Genetics, Inc.
Classification: Uncertain significance for Hyperinsulinemic hypoglycemia, familial, 1. Last evaluated: 2026-05-21. Review status: criteria provided, single submitter. Criteria: Myriad Autosomal Dominant, Autosomal Recessive and X-Linked Classification Criteria (2023). Collection method: clinical testing. Allele origin: unknown.
Comment: NM_000352.3(ABCC8):c.692G>T(W231L) is a missense variant classified as a variant of uncertain significance in the context of familial hyperinsulinism, ABCC8-related. W231L has been observed in a case with relevant disease (PMID: 32820876). Relevant functional assessments of this variant are not available in the literature. W231L has not been observed in referenced population frequency databases. In summary, there is insufficient evidence to classify NM_000352.3(ABCC8):c.692G>T(W231L) as pathogenic or benign. Please note: this variant was assessed in the context of healthy population screening.

Literature cited by the submitters: PubMed 32820876.

NM_000352.6(ABCC8):c.692G>T (p.Trp231Leu)

Gene: ABCC8 (ATP binding cassette subfamily C member 8; minus strand). Cytogenetic location: 11p15.1.
Variant type: single nucleotide variant.
Coding change: c.692G>T on transcript NM_000352.6 (MANE Select); coding-DNA position 692, G replaced by T.
Protein change: p.Trp231Leu; replaces tryptophan 231 with leucine.
Molecular consequence: missense variant. On other transcripts: non-coding transcript variant (1).
Genome position (GRCh38, 1-based): chr11:17,461,713, C>A on the plus strand (G>T on the coding strand, the complement: ABCC8 is on the minus strand). VCF-style: chr11-17461713-C-A. GRCh37 (hg19) VCF-style: chr11-17483260-C-A.
Other names: c.692G>T, p.Trp231Leu (NM_001287174.3, NM_001351295.2, NM_001351296.2 and 1 more transcripts); short protein forms W231L.
Identifiers: ClinVar variation 5004913 (VCV005004913.1).